The following is an entry in ClinVar:

ClinVar aggregate classification (germline): Uncertain significance (1 of 4 stars; one submission).

Submission:

GeneDx
Classification: Uncertain significance. Last evaluated: 2022-11-22. Review status: criteria provided, single submitter. Criteria: GeneDx Variant Classification Process June 2021. Collection method: clinical testing. Allele origin: germline. Affected: yes.
Comment: Has not been previously published as pathogenic or benign to our knowledge; Not observed at significant frequency in large population cohorts (gnomAD); Nucleotide substitution has no predicted effect on splicing and is not conserved across species

NM_172201.2(KCNE2):c.*8G>A

Genes: KCNE2 (potassium voltage-gated channel subfamily E regulatory subunit 2; plus strand), LOC105372791 (uncharacterized LOC105372791; minus strand). Cytogenetic location: 21q22.11.
Variant type: single nucleotide variant.
Coding change: c.*8G>A on transcript NM_172201.2 (MANE Select); 8 bases downstream of the stop codon, G replaced by A.
Molecular consequence: 3 prime UTR variant.
Genome position (GRCh38, 1-based): chr21:34,370,858, G>A. VCF-style: chr21-34370858-G-A. GRCh37 (hg19) VCF-style: chr21-35743157-G-A.
Identifiers: ClinVar variation 2502591 (VCV002502591.1), dbSNP rs2516741472, ClinGen allele CA512298283.